The following is an entry in ClinVar:

NM_020458.4(TTC7A):c.2192G>A (p.Gly731Asp)

Gene: TTC7A (tetratricopeptide repeat domain 7A; plus strand). Cytogenetic location: 2p21.
Variant type: single nucleotide variant.
Coding change: c.2192G>A on transcript NM_020458.4 (MANE Select); coding-DNA position 2192, G replaced by A.
Protein change: p.Gly731Asp; replaces glycine 731 with aspartic acid.
Molecular consequence: missense variant.
Genome position (GRCh38, 1-based): chr2:47,060,808, G>A. VCF-style: chr2-47060808-G-A. GRCh37 (hg19) VCF-style: chr2-47287947-G-A.
Other names: c.2264G>A, p.Gly755Asp (NM_001288951.2); c.2090G>A, p.Gly697Asp (NM_001288953.2); c.1130G>A, p.Gly377Asp (NM_001288955.2); short protein forms G697D, G731D, G377D, G755D.
Identifiers: ClinVar variation 2109142 (VCV002109142.4), dbSNP rs2465431472, ClinGen allele CA346714641.

ClinVar aggregate classification (germline): Uncertain significance (1 of 4 stars; one submission).

Conditions:
Multiple gastrointestinal atresias. Also called: FAMILIAL INTESTINAL POLYATRESIA SYNDROME; Multiple intestinal atresia. Identifiers: Orphanet 2300, MedGen C0220744, MONDO:0009465.

Submission:

Labcorp Genetics (formerly Invitae), Labcorp
Classification: Uncertain significance for Multiple gastrointestinal atresias. Last evaluated: 2022-03-11. Review status: criteria provided, single submitter. Criteria: Invitae Variant Classification Sherloc (09022015). Collection method: clinical testing. Allele origin: germline.
Comment: In summary, the available evidence is currently insufficient to determine the role of this variant in disease. Therefore, it has been classified as a Variant of Uncertain Significance. Algorithms developed to predict the effect of missense changes on protein structure and function (SIFT, PolyPhen-2, Align-GVGD) all suggest that this variant is likely to be tolerated. This variant has not been reported in the literature in individuals affected with TTC7A-related conditions. This variant is not present in population databases (gnomAD no frequency). This sequence change replaces glycine, which is neutral and non-polar, with aspartic acid, which is acidic and polar, at codon 731 of the TTC7A protein (p.Gly731Asp).